The following is an entry in ClinVar:

NM_015338.6(ASXL1):c.4319T>C (p.Phe1440Ser)

Gene: ASXL1 (ASXL transcriptional regulator 1; plus strand). Cytogenetic location: 20q11.21.
Variant type: single nucleotide variant.
Coding change: c.4319T>C on transcript NM_015338.6 (MANE Select); coding-DNA position 4319, T replaced by C.
Protein change: p.Phe1440Ser; replaces phenylalanine 1440 with serine.
Molecular consequence: missense variant.
Genome position (GRCh38, 1-based): chr20:32,437,031, T>C. VCF-style: chr20-32437031-T-C. GRCh37 (hg19) VCF-style: chr20-31024834-T-C.
Other names: c.4136T>C, p.Phe1379Ser (NM_001363734.1); short protein forms F1379S, F1440S.
Identifiers: ClinVar variation 4864124 (VCV004864124.1).
Genomic context (GRCh38, chr20:32,437,031, plus strand): 5'-GGCTCAGTGAGCCTCTGGAGCCTTCTTCTCTCCCCTCCCAACTCAGCATCAAGCAGGCAT[T>C]TTATGGGAAGCTTTCTAAACTCCAACTGAGTTCCACCAGCTTTAATTATTCCTCTAGCTC-3'
Protein context (NP_056153.2, residues 1430-1450): LPSQLSIKQA[Phe1440Ser]YGKLSKLQLS

ClinVar aggregate classification (germline): Uncertain significance (1 of 4 stars; one submission).

Conditions:
Inborn genetic diseases. Identifiers: MedGen C0950123, MeSH D030342.

Submission:

Ambry Genetics
Classification: Uncertain significance for Inborn genetic diseases. Last evaluated: 2026-03-25. Review status: criteria provided, single submitter. Criteria: Ambry Variant Classification Scheme 2023. Collection method: clinical testing. Allele origin: germline.
Comment: The p.F1440S variant (also known as c.4319T>C), located in coding exon 13 of the ASXL1 gene, results from a T to C substitution at nucleotide position 4319. The phenylalanine at codon 1440 is replaced by serine, an amino acid with highly dissimilar properties. This amino acid position is conserved. In addition, the in silico prediction for this alteration is inconclusive. Based on the available evidence, the clinical significance of this variant remains unclear.